The following is an entry in ClinVar:

ClinVar aggregate classification (germline): Uncertain significance (1 of 4 stars; one submission).

Conditions:
Inborn genetic diseases. Identifiers: MedGen C0950123, MeSH D030342.

Allele frequency attached by ClinVar (database versions not stated): gnomAD exomes 0.00001; TOPMed 0.00001; gnomAD 0.00002; ExAC 0.00003.
gnomAD v4.1: 16 of 1,548,392 alleles (0.001%); highest among the groups gnomAD compares: South Asian, 0.018%; no homozygotes.

Submission:

Ambry Genetics
Classification: Uncertain significance for Inborn genetic diseases. Last evaluated: 2022-09-27. Review status: criteria provided, single submitter. Criteria: Ambry Variant Classification Scheme 2023. Collection method: clinical testing. Allele origin: germline.
Comment: Occurs in the first base pair of the exon Based on insufficient or conflicting evidence, the clinical significance of this alteration remains unclear.

Literature cited by the submitters: PubMed 27604308.

NM_000391.4(TPP1):c.887G>A (p.Gly296Asp)

Gene: TPP1 (tripeptidyl peptidase 1; minus strand). Cytogenetic location: 11p15.4.
Variant type: single nucleotide variant.
Coding change: c.887G>A on transcript NM_000391.4 (MANE Select); coding-DNA position 887, G replaced by A.
Protein change: p.Gly296Asp; replaces glycine 296 with aspartic acid.
Molecular consequence: missense variant.
Genome position (GRCh38, 1-based): chr11:6,616,503, C>T on the plus strand (G>A on the coding strand, the complement: TPP1 is on the minus strand). VCF-style: chr11-6616503-C-T. GRCh37 (hg19) VCF-style: chr11-6637734-C-T.
Other names: short protein forms G296D.
Identifiers: ClinVar variation 2308679 (VCV002308679.2), dbSNP rs766770330, ClinGen allele CA5858810.
Genomic context (GRCh38, chr11:6,616,503, plus strand): 5'-GCTGACTCATTACTGAGCAGCATGAGCCACTGCAGGAAGGGCTCCTGTCCCTCATGCCGG[C>T]CTGGATTTTTTTTTTTTTTTTTTTTGAGGGATGGGCACAAAGATAGTCACTGGGGGTTGT-3'
Protein context (NP_000382.3, residues 286-306): NISTWVYSSP[Gly296Asp]RHEGQEPFLQ